The following is an entry in ClinVar:

NM_000548.5(TSC2):c.1716+3G>T

Gene: TSC2 (TSC complex subunit 2; plus strand). Cytogenetic location: 16p13.3.
Variant type: single nucleotide variant.
Coding change: c.1716+3G>T on transcript NM_000548.5 (MANE Select); 3 bases into the intron after coding-DNA position 1716, G replaced by T.
Molecular consequence: intron variant.
Genome position (GRCh38, 1-based): chr16:2,065,638, G>T. VCF-style: chr16-2065638-G-T. GRCh37 (hg19) VCF-style: chr16-2115639-G-T.
Other names: c.372+3G>T (NM_001406693.1, NM_001406689.1, NM_001406690.1 and 6 more transcripts); c.1806+3G>T (NM_001406667.1, NM_001406668.1); c.1116+3G>T (NM_001406680.1, NM_001406683.1, NM_001406687.1 and 6 more transcripts); c.114+3G>T (NM_001406698.1); c.1716+3G>T (NM_001114382.3, NM_001406663.1, NM_001406664.1 and 6 more transcripts); c.1704+3G>T (NM_001406671.1, NM_001406673.1); c.1254+3G>T (NM_001406681.1); c.1605+3G>T (NM_001406670.1, NM_001318827.2, NM_001406678.1); and 3 more.
Identifiers: ClinVar variation 3664217 (VCV003664217.2).
Genomic context (GRCh38, chr16:2,065,638, plus strand): 5'-CTCGGCCTCCTTGGAGGATGTGAAGACAGCCGTCCTGGGGCTTCTGGTCATCCTTCAGGT[G>T]GGTGTTCTGCACGAGGCCTCTGCTCCCGGGGCGCGCATGGCTAGCGTCCACCAGCTGCAT-3'

ClinVar aggregate classification (germline): Uncertain significance (1 of 4 stars; one submission).

Conditions:
Tuberous sclerosis 2 (TSC2). Identifiers: Orphanet 805, MedGen C1860707, MONDO:0013199, OMIM 613254.

Submission:

Labcorp Genetics (formerly Invitae), Labcorp
Classification: Uncertain significance for Tuberous sclerosis 2. Last evaluated: 2024-09-02. Review status: criteria provided, single submitter. Criteria: Invitae Variant Classification Sherloc (09022015). Collection method: clinical testing. Allele origin: germline.
Comment: This sequence change falls in intron 16 of the TSC2 gene. It does not directly change the encoded amino acid sequence of the TSC2 protein. It affects a nucleotide within the consensus splice site. This variant is not present in population databases (gnomAD no frequency). This variant has not been reported in the literature in individuals affected with TSC2-related conditions. Variants that disrupt the consensus splice site are a relatively common cause of aberrant splicing (PMID: 17576681, 9536098). Algorithms developed to predict the effect of sequence changes on RNA splicing suggest that this variant is not likely to affect RNA splicing. In summary, the available evidence is currently insufficient to determine the role of this variant in disease. Therefore, it has been classified as a Variant of Uncertain Significance.

Literature cited by the submitters: PubMed 17576681; PubMed 9536098.